The following is an entry in ClinVar:

ClinVar aggregate classification (germline): Likely benign. Review status: criteria provided, multiple submitters, no conflicts (2 of 4 stars). 4 submissions from 4 submitters: Likely benign (4). Last evaluated 2026-07-07.

Conditions:
Alpha thalassemia-X-linked intellectual disability syndrome (ATRX). Also called: ALPHA-THALASSEMIA/MENTAL RETARDATION SYNDROME, X-LINKED; ATR, NONDELETION TYPE; X-linked alpha-thalassemia-mental retardation syndrome; ALPHA-THALASSEMIA/IMPAIRED INTELLECTUAL DEVELOPMENT SYNDROME, X-LINKED; ATR-X syndrome; Alpha thalassemia mental retardation syndrome, nondeletion type, X-linked. Identifiers: Orphanet 847, MedGen C1845055, MONDO:0010519, OMIM 301040.
ATRX-related disorder. Also called: ATRX-related condition.

Allele frequency attached by ClinVar (database versions not stated): ExAC 0.00006; gnomAD 0.00006 and 0.00009; TOPMed 0.00005; gnomAD exomes 0.00005.
gnomAD v4.1: 56 of 1,205,753 alleles (0.0046%); highest among the groups gnomAD compares: Middle Eastern, 0.023%; no homozygotes.

Submissions (4):

PreventionGenetics, part of Exact Sciences
Classification: Likely benign for ATRX-related condition. Last evaluated: 2026-07-07. Review status: criteria provided, single submitter. Criteria: ACMG Guidelines, 2015. Collection method: clinical testing. Allele origin: germline.
Comment: This variant is classified as likely benign based on ACMG/AMP sequence variant interpretation guidelines (Richards et al. 2015 PMID: 25741868, with internal and published modifications).

Labcorp Genetics (formerly Invitae), Labcorp
Classification: Likely benign for Alpha thalassemia-X-linked intellectual disability syndrome. Last evaluated: 2025-04-27. Review status: criteria provided, single submitter. Criteria: Invitae Variant Classification Sherloc (09022015). Collection method: clinical testing. Allele origin: germline.

CeGaT Center for Human Genetics Tuebingen
Classification: Likely benign. Last evaluated: 2024-02-01. Review status: criteria provided, single submitter. Criteria: CeGaT Center For Human Genetics Tuebingen Variant Classification Criteria Version 2. Collection method: clinical testing. Allele origin: germline. Affected: yes. Observed: 1 variant allele.
Comment: ATRX: BS2

Breakthrough Genomics
Classification: Likely benign. Review status: criteria provided, single submitter. Criteria: ACMG Guidelines, 2015. Collection method: not provided. Allele origin: germline. Inheritance: X-linked inheritance. Affected: yes.

NM_000489.6(ATRX):c.3559A>G (p.Asn1187Asp)

Gene: ATRX (ATRX chromatin remodeler; minus strand). Cytogenetic location: Xq21.1.
Variant type: single nucleotide variant.
Coding change: c.3559A>G on transcript NM_000489.6 (MANE Select); coding-DNA position 3559, A replaced by G.
Protein change: p.Asn1187Asp; replaces asparagine 1187 with aspartic acid.
Molecular consequence: missense variant.
Genome position (GRCh38, 1-based): chrX:77,681,697, T>C on the plus strand (A>G on the coding strand, the complement: ATRX is on the minus strand). VCF-style: chrX-77681697-T-C. GRCh37 (hg19) VCF-style: chrX-76937189-T-C.
Other names: c.3445A>G, p.Asn1149Asp (NM_138270.5); short protein forms N1187D, N1149D.
Identifiers: ClinVar variation 465055 (VCV000465055.36), dbSNP rs782146598, ClinGen allele CA10457936.